The following is an entry in ClinVar:

ClinVar aggregate classification (germline): Uncertain significance (1 of 4 stars; one submission).

Conditions:
Inborn genetic diseases. Identifiers: MedGen C0950123, MeSH D030342.

Submission:

Ambry Genetics
Classification: Uncertain significance for Inborn genetic diseases. Last evaluated: 2022-06-01. Review status: criteria provided, single submitter. Criteria: Ambry Variant Classification Scheme 2023. Collection method: clinical testing. Allele origin: germline.
Comment: The p.A698D variant (also known as c.2093C>A), located in coding exon 13 of the EPAS1 gene, results from a C to A substitution at nucleotide position 2093. The alanine at codon 698 is replaced by aspartic acid, an amino acid with dissimilar properties. This amino acid position is conserved. In addition, the in silico prediction for this alteration is inconclusive. Since supporting evidence is limited at this time, the clinical significance of this alteration remains unclear.

NM_001430.5(EPAS1):c.2093C>A (p.Ala698Asp)

Gene: EPAS1 (endothelial PAS domain protein 1; plus strand). Cytogenetic location: 2p21.
Variant type: single nucleotide variant.
Coding change: c.2093C>A on transcript NM_001430.5 (MANE Select); coding-DNA position 2093, C replaced by A.
Protein change: p.Ala698Asp; replaces alanine 698 with aspartic acid.
Molecular consequence: missense variant.
Genome position (GRCh38, 1-based): chr2:46,381,643, C>A. VCF-style: chr2-46381643-C-A. GRCh37 (hg19) VCF-style: chr2-46608782-C-A.
Other names: short protein forms A698D.
Identifiers: ClinVar variation 1785757 (VCV001785757.2), dbSNP rs2103675909, ClinGen allele CA346705513.